The following is an entry in ClinVar:

ClinVar aggregate classification (germline): Pathogenic (1 of 4 stars; one submission).

Submission:

Labcorp Genetics (formerly Invitae), Labcorp
Classification: Pathogenic. Last evaluated: 2023-05-21. Review status: criteria provided, single submitter. Criteria: Invitae Variant Classification Sherloc (09022015). Collection method: clinical testing. Allele origin: germline.
Comment: For these reasons, this variant has been classified as Pathogenic. ClinVar contains an entry for this variant (Variation ID: 2103193). This variant has not been reported in the literature in individuals affected with CDH23-related conditions. This variant is not present in population databases (gnomAD no frequency). This sequence change creates a premature translational stop signal (p.Asn2289Lysfs*84) in the CDH23 gene. It is expected to result in an absent or disrupted protein product. Loss-of-function variants in CDH23 are known to be pathogenic (PMID: 11138009, 21940737).

Literature cited by the submitters: PubMed 11138009; PubMed 21940737.

NM_022124.6(CDH23):c.6867del (p.Asn2289fs)

Gene: CDH23 (cadherin related 23; plus strand). Cytogenetic location: 10q22.1.
Variant type: Deletion.
Coding change: c.6867del on transcript NM_022124.6 (MANE Select); coding-DNA position 6867, one base deleted (T; older notation c.6867delT).
Protein change: p.Asn2289fs; shifts the reading frame from asparagine 2289.
Molecular consequence: frameshift variant.
Genome position (GRCh38, 1-based): chr10:71,798,391, T deleted. VCF-style (leftmost placement, unchanged base first): chr10-71798390-AT-A. GRCh37 (hg19) VCF-style: chr10-73558147-AT-A.
Other names: c.147del, p.Asn49fs (NM_001171933.1, NM_001171934.1); short protein forms N49fs, N2289fs.
Identifiers: ClinVar variation 2103193 (VCV002103193.4), dbSNP rs2494399871, ClinGen allele CA2580081838.